The following is an entry in ClinVar:

ClinVar aggregate classification (germline): Likely benign (1 of 4 stars; one submission).

Allele frequency attached by ClinVar (database versions not stated): 1000 Genomes Project 30x 0.00016; gnomAD 0.00017; 1000 Genomes Project 0.00020; gnomAD exomes 0.00020; TOPMed 0.00022; ExAC 0.00037.
gnomAD v4.1: 314 of 1,530,280 alleles (0.021%); highest among the groups gnomAD compares: Middle Eastern, 0.14%; 1 homozygote.

Submission:

CeGaT Center for Human Genetics Tuebingen
Classification: Likely benign. Last evaluated: 2023-09-01. Review status: criteria provided, single submitter. Criteria: CeGaT Center For Human Genetics Tuebingen Variant Classification Criteria Version 2. Collection method: clinical testing. Allele origin: germline. Affected: yes. Observed: 1 variant allele.
Comment: DNHD1: BP4

NM_144666.3(DNHD1):c.6698G>A (p.Arg2233His)

Gene: DNHD1 (dynein heavy chain domain 1; plus strand). Cytogenetic location: 11p15.4.
Variant type: single nucleotide variant.
Coding change: c.6698G>A on transcript NM_144666.3 (MANE Select); coding-DNA position 6698, G replaced by A.
Protein change: p.Arg2233His; replaces arginine 2233 with histidine.
Molecular consequence: missense variant.
Genome position (GRCh38, 1-based): chr11:6,547,637, G>A. VCF-style: chr11-6547637-G-A. GRCh37 (hg19) VCF-style: chr11-6568867-G-A.
Other names: short protein forms R2233H.
Identifiers: ClinVar variation 2582891 (VCV002582891.25), dbSNP rs148105430, ClinGen allele CA5856161.
Genomic context (GRCh38, chr11:6,547,637, plus strand): 5'-GTGTGGCAGAAGTTACCAGCATGGCACGCATCTTGCATAGTCTGCTTGACCTCCACCTTC[G>A]CCTAAAGGAGGAGAAGGCCCCTGGCCCAGGTGGGAAGATGGACGGGCTGGTTTGAGAGAG-3'
Protein context (NP_653267.2, residues 2223-2243): ILHSLLDLHL[Arg2233His]LKEEKAPGPE